The following is an entry in ClinVar:

ClinVar aggregate classification (germline): Uncertain significance (1 of 4 stars; one submission).

Submission:

Labcorp Genetics (formerly Invitae), Labcorp
Classification: Uncertain significance. Last evaluated: 2023-08-03. Review status: criteria provided, single submitter. Criteria: Invitae Variant Classification Sherloc (09022015). Collection method: clinical testing. Allele origin: germline.
Comment: This sequence change replaces proline, which is neutral and non-polar, with leucine, which is neutral and non-polar, at codon 768 of the CTNNA1 protein (p.Pro768Leu). In summary, the available evidence is currently insufficient to determine the role of this variant in disease. Therefore, it has been classified as a Variant of Uncertain Significance. An algorithm developed to predict the effect of missense changes on protein structure and function (PolyPhen-2) suggests that this variant is likely to be disruptive. This variant has not been reported in the literature in individuals affected with CTNNA1-related conditions. This variant is not present in population databases (gnomAD no frequency).

NM_001903.5(CTNNA1):c.2303C>T (p.Pro768Leu)

Gene: CTNNA1 (catenin alpha 1; plus strand). Cytogenetic location: 5q31.2.
Variant type: single nucleotide variant.
Coding change: c.2303C>T on transcript NM_001903.5 (MANE Select); coding-DNA position 2303, C replaced by T.
Protein change: p.Pro768Leu; replaces proline 768 with leucine.
Molecular consequence: missense variant. On other transcripts: intron variant (1).
Genome position (GRCh38, 1-based): chr5:138,932,582, C>T. VCF-style: chr5-138932582-C-T. GRCh37 (hg19) VCF-style: chr5-138268271-C-T.
Other names: c.854C>T, p.Pro285Leu (NM_001324010.1, NM_001324007.1, NM_001324008.1 and 2 more transcripts); c.1100C>T, p.Pro367Leu (NM_001324011.1); c.950C>T, p.Pro317Leu (NM_001324012.1, NM_001324013.1); c.1189-1220C>T (NM_001324001.1); c.1193C>T, p.Pro398Leu (NM_001323996.1, NM_001323997.1, NM_001323998.1 and 16 more transcripts); c.2303C>T, p.Pro768Leu (NM_001290307.3, NM_001323982.2, NM_001323983.1 and 2 more transcripts); c.1994C>T, p.Pro665Leu (NM_001290309.3); c.1934C>T, p.Pro645Leu (NM_001290310.3); and 1 more; short protein forms P317L, P367L, P645L, P768L, P285L, P398L, P665L, P737L.
Identifiers: ClinVar variation 2749677 (VCV002749677.3), dbSNP rs2533910751, ClinGen allele CA361134279.